The following is an entry in ClinVar:

NM_153676.4(USH1C):c.742G>T (p.Ala248Ser)

Gene: USH1C (USH1 protein network component harmonin; minus strand). Cytogenetic location: 11p15.1.
Variant type: single nucleotide variant.
Coding change: c.742G>T on transcript NM_153676.4 (MANE Select); coding-DNA position 742, G replaced by T.
Protein change: p.Ala248Ser; replaces alanine 248 with serine.
Molecular consequence: missense variant. On other transcripts: non-coding transcript variant (1).
Genome position (GRCh38, 1-based): chr11:17,524,468, C>A on the plus strand (G>T on the coding strand, the complement: USH1C is on the minus strand). VCF-style: chr11-17524468-C-A. GRCh37 (hg19) VCF-style: chr11-17546015-C-A.
Other names: c.742G>T, p.Ala248Ser (NM_001297764.2, NM_005709.4); short protein forms A248S.
Identifiers: ClinVar variation 2152420 (VCV002152420.4), dbSNP rs1262300844, ClinGen allele CA379790726.

ClinVar aggregate classification (germline): Uncertain significance (1 of 4 stars; one submission).

Allele frequency attached by ClinVar (database versions not stated): TOPMed below 0.00001.

Submission:

Labcorp Genetics (formerly Invitae), Labcorp
Classification: Uncertain significance. Last evaluated: 2022-06-23. Review status: criteria provided, single submitter. Criteria: Invitae Variant Classification Sherloc (09022015). Collection method: clinical testing. Allele origin: germline.
Comment: This sequence change replaces alanine, which is neutral and non-polar, with serine, which is neutral and polar, at codon 248 of the USH1C protein (p.Ala248Ser). This variant is not present in population databases (gnomAD no frequency). This variant has not been reported in the literature in individuals affected with USH1C-related conditions. Algorithms developed to predict the effect of missense changes on protein structure and function output the following: SIFT: "Tolerated"; PolyPhen-2: "Benign"; Align-GVGD: "Class C0". The serine amino acid residue is found in multiple mammalian species, which suggests that this missense change does not adversely affect protein function. In summary, the available evidence is currently insufficient to determine the role of this variant in disease. Therefore, it has been classified as a Variant of Uncertain Significance.